The following is an entry in ClinVar:

ClinVar aggregate classification (germline): Likely benign. Review status: criteria provided, multiple submitters, no conflicts (2 of 4 stars). 3 submissions from 3 submitters: Likely benign (3). Last evaluated 2025-11-03.

Conditions:
Nemaline myopathy 2 (NEM2). Also called: Nemaline myopathy 2, autosomal recessive. Identifiers: MedGen C1850569, MONDO:0009725, OMIM 256030.
Inborn genetic diseases. Identifiers: MedGen C0950123, MeSH D030342.

Allele frequency attached by ClinVar (database versions not stated): TOPMed 0.00002; ExAC 0.00003; gnomAD 0.00003.
gnomAD v4.1: 35 of 1,607,734 alleles (0.0022%); highest among the groups gnomAD compares: Non-Finnish European, 0.0023%; no homozygotes.

Submissions (3):

Labcorp Genetics (formerly Invitae), Labcorp
Classification: Likely benign for Nemaline myopathy 2. Last evaluated: 2025-11-03. Review status: criteria provided, single submitter. Criteria: Invitae Variant Classification Sherloc (09022015). Collection method: clinical testing. Allele origin: germline.

Ambry Genetics
Classification: Likely benign for Inborn genetic diseases. Last evaluated: 2023-06-27. Review status: criteria provided, single submitter. Criteria: Ambry Variant Classification Scheme 2023. Collection method: clinical testing. Allele origin: germline.

GeneDx
Classification: Likely benign. Last evaluated: 2017-04-05. Review status: criteria provided, single submitter. Criteria: GeneDx Variant Classification (06012015). Collection method: clinical testing. Allele origin: germline. Affected: yes.
Comment: This variant is considered likely benign or benign based on one or more of the following criteria: it is a conservative change, it occurs at a poorly conserved position in the protein, it is predicted to be benign by multiple in silico algorithms, and/or has population frequency not consistent with disease.

NM_001164508.2(NEB):c.17574G>A (p.Thr5858=)

Gene: NEB (nebulin; minus strand). Cytogenetic location: 2q23.3.
Variant type: single nucleotide variant.
Coding change: c.17574G>A on transcript NM_001164508.2 (MANE Select); coding-DNA position 17574, G replaced by A.
Protein change: p.Thr5858=; no amino-acid change (threonine 5858 retained).
Molecular consequence: synonymous variant.
Genome position (GRCh38, 1-based): chr2:151,568,678, C>T on the plus strand (G>A on the coding strand, the complement: NEB is on the minus strand). VCF-style: chr2-151568678-C-T. GRCh37 (hg19) VCF-style: chr2-152425192-C-T.
Other names: c.17574G>A, p.Thr5858= (NM_001164507.2, NM_001271208.2); c.12471G>A, p.Thr4157= (NM_004543.5); c.12471G>A (NM_004543.4).
Identifiers: ClinVar variation 508720 (VCV000508720.12), dbSNP rs780714195, ClinGen allele CA1908175.
Genomic context (GRCh38, chr2:151,568,678, plus strand): 5'-ATCATCGAGGATCTCGCCACTTTGTTTCGCTGTCACATAATCAACTCTGTCATCCACAGG[C>T]GTAAAGTTGAGAGTTTCTATTTTTGTGCGATATTTTTTCTATGGGAAAGAAAGCATCTTT-3'
Protein context (NP_001157980.2, residues 5848-5868): YRTKIETLNF[Thr5858=]PVDDRVDYVT